The following is an entry in ClinVar:

NC_000016.9:g.(?_136704)_(160624_?)dup

Gene: NPRL3 (NPR3 like, GATOR1 complex subunit; minus strand). Cytogenetic location: 16p13.3.
Variant type: Duplication.
Identifiers: ClinVar variation 3243559 (VCV003243559.1).

ClinVar aggregate classification (germline): Uncertain significance (1 of 4 stars; one submission).

Conditions:
Epilepsy, familial focal, with variable foci 3 (FFEVF3). Identifiers: MedGen C4310708, MONDO:0014925, OMIM 617118.

Submission:

Labcorp Genetics (formerly Invitae), Labcorp
Classification: Uncertain significance for Epilepsy, familial focal, with variable foci 3. Last evaluated: 2023-11-29. Review status: criteria provided, single submitter. Criteria: Invitae Variant Classification Sherloc (09022015). Collection method: clinical testing. Allele origin: unknown.
Comment: This variant results in a copy number gain of the genomic region encompassing exon(s) 7-14 of the NPRL3 gene. This region includes the termination codon of the gene. This copy number gain extends beyond the assayed region for this gene and therefore may encompass additional genes. As the precise location of this event is unknown, it may be in tandem or it may be located elsewhere in the genome. This variant has not been reported in the literature in individuals affected with NPRL3-related conditions. In summary, the available evidence is currently insufficient to determine the role of this variant in disease. Therefore, it has been classified as a Variant of Uncertain Significance.